The following is an entry in ClinVar:

NM_003072.5(SMARCA4):c.2124-3C>A

Gene: SMARCA4 (SWI/SNF related BAF chromatin remodeling complex subunit ATPase 4; plus strand). Cytogenetic location: 19p13.2.
Variant type: single nucleotide variant.
Coding change: c.2124-3C>A on transcript NM_003072.5 (MANE Select); 3 bases into the intron before coding-DNA position 2124, C replaced by A.
Molecular consequence: intron variant.
Genome position (GRCh38, 1-based): chr19:11,010,378, C>A. VCF-style: chr19-11010378-C-A. GRCh37 (hg19) VCF-style: chr19-11121054-C-A.
Other names: c.2124-3C>A (NM_001128844.3, NM_001128849.3, NM_001128847.4 and 6 more transcripts).
Identifiers: ClinVar variation 3798901 (VCV003798901.1).

ClinVar aggregate classification (germline): Uncertain significance (1 of 4 stars; one submission).

Conditions:
Hereditary cancer-predisposing syndrome. Also called: Neoplastic Syndromes, Hereditary; Hereditary Cancer Syndrome; Tumor predisposition; Hereditary neoplastic syndrome. Identifiers: Orphanet 140162, MedGen C0027672, MeSH D009386, MONDO:0015356.

Submission:

Ambry Genetics
Classification: Uncertain significance for Hereditary cancer-predisposing syndrome. Last evaluated: 2025-01-29. Review status: criteria provided, single submitter. Criteria: Ambry Variant Classification Scheme 2023. Collection method: clinical testing. Allele origin: germline.
Comment: The c.2124-3C>A intronic variant results from a C to A substitution 3 nucleotides upstream from coding exon 14 in the SMARCA4 gene. This nucleotide position is highly conserved in available vertebrate species. In silico splice site analysis predicts that this alteration will not have any significant effect on splicing. Based on the available evidence, the clinical significance of this variant remains unclear.